The following is an entry in ClinVar:

ClinVar aggregate classification (germline): Uncertain significance (1 of 4 stars; one submission).

Allele frequency attached by ClinVar (database versions not stated): gnomAD exomes below 0.00001 and 0.00002; TOPMed below 0.00001; ExAC 0.00001; gnomAD 0.00001.

Submission:

Labcorp Genetics (formerly Invitae), Labcorp
Classification: Uncertain significance. Last evaluated: 2020-12-04. Review status: criteria provided, single submitter. Criteria: Invitae Variant Classification Sherloc (09022015). Collection method: clinical testing. Allele origin: germline.
Comment: In summary, the available evidence is currently insufficient to determine the role of this variant in disease. Therefore, it has been classified as a Variant of Uncertain Significance. Algorithms developed to predict the effect of missense changes on protein structure and function output the following: SIFT: "Tolerated"; PolyPhen-2: "Benign"; Align-GVGD: "Class C0". The asparagine amino acid residue is found in multiple mammalian species, suggesting that this missense change does not adversely affect protein function. These predictions have not been confirmed by published functional studies and their clinical significance is uncertain. This variant has not been reported in the literature in individuals with EIF2AK3-related conditions. This variant is present in population databases (rs765936619, ExAC 0.001%). This sequence change replaces serine with asparagine at codon 844 of the EIF2AK3 protein (p.Ser844Asn). The serine residue is weakly conserved and there is a small physicochemical difference between serine and asparagine.

NM_004836.7(EIF2AK3):c.2531G>A (p.Ser844Asn)

Genes: EIF2AK3 (eukaryotic translation initiation factor 2 alpha kinase 3; minus strand), EIF2AK3-AS1 (EIF2AK3 antisense RNA 1; plus strand). Cytogenetic location: 2p11.2.
Variant type: single nucleotide variant.
Coding change: c.2531G>A on transcript NM_004836.7 (MANE Select); coding-DNA position 2531, G replaced by A.
Protein change: p.Ser844Asn; replaces serine 844 with asparagine.
Molecular consequence: missense variant. On other transcripts: non-coding transcript variant (1).
Genome position (GRCh38, 1-based): chr2:88,574,952, C>T on the plus strand (G>A on the coding strand, the complement: EIF2AK3 is on the minus strand). VCF-style: chr2-88574952-C-T. GRCh37 (hg19) VCF-style: chr2-88874470-C-T.
Other names: c.2078G>A, p.Ser693Asn (NM_001313915.2); short protein forms S844N, S693N.
Identifiers: ClinVar variation 1393836 (VCV001393836.6), dbSNP rs765936619, ClinGen allele CA1754434.